The following is an entry in ClinVar:

NM_001348716.2(KDM6B):c.790_791CCA[2]CCC[1] (p.Leu265fs)

Gene: KDM6B (lysine demethylase 6B; plus strand). Cytogenetic location: 17p13.1.
Variant type: Microsatellite.
Coding change: c.790_791CCA[2]CCC[1] on transcript NM_001348716.2 (MANE Select).
Protein change: p.Leu265fs; shifts the reading frame from leucine 265.
Molecular consequence: frameshift variant.
Genome position: GRCh38 VCF-style: chr17-7846896-A-ACCACCAC. GRCh37 (hg19) VCF-style: chr17-7750214-A-ACCACCAC.
Other names: c.790_791CCA[2]CCC[1], p.Leu265fs (NM_001080424.2); short protein forms L265fs.
Identifiers: ClinVar variation 5016864 (VCV005016864.1).
Genomic context (GRCh38, chr17:7,846,896, plus strand): 5'-GCTGCCACTGCCTCCACCACCATTACCACCACCACCACCACCACCACCACCACCACCACC[A>ACCACCAC]CCCCTGCCTGGCCTGGCTACCAGCCCCCCATTTCAGCTAACCAAGCCAGGGCTGTGGAGT-3'

ClinVar aggregate classification (germline): Pathogenic (1 of 4 stars; one submission).

Submission:

GeneDx
Classification: Pathogenic. Last evaluated: 2026-04-07. Review status: criteria provided, single submitter. Criteria: GeneDx Variant Classification Process June 2021. Collection method: clinical testing. Allele origin: germline.
Comment: Frameshift variant predicted to result in protein truncation or nonsense mediated decay in a gene for which loss of function is a known mechanism of disease; Not observed at significant frequency in large population cohorts (gnomAD); Has not been previously published as pathogenic or benign to our knowledge